The following is an entry in ClinVar:

ClinVar aggregate classification (germline): Uncertain significance (1 of 4 stars; one submission).

Conditions:
Ullrich congenital muscular dystrophy 2 (UCMD2). Identifiers: Orphanet 75840, MedGen C4225314, MONDO:0014654, OMIM 616470.
Bethlem myopathy 2 (BTHLM2). Identifiers: Orphanet 536516, Orphanet 610, MedGen C4225313, MONDO:0034022, OMIM 616471.

Submission:

Labcorp Genetics (formerly Invitae), Labcorp
Classification: Uncertain significance for Bethlem myopathy 2; Ullrich congenital muscular dystrophy 2. Last evaluated: 2019-01-10. Review status: criteria provided, single submitter. Criteria: Invitae Variant Classification Sherloc (09022015). Collection method: clinical testing. Allele origin: germline.
Comment: This sequence change replaces threonine with alanine at codon 732 of the COL12A1 protein (p.Thr732Ala). The threonine residue is moderately conserved and there is a small physicochemical difference between threonine and alanine. This variant is not present in population databases (ExAC no frequency). This variant has not been reported in the literature in individuals with COL12A1-related conditions. Algorithms developed to predict the effect of missense changes on protein structure and function are either unavailable or do not agree on the potential impact of this missense change (SIFT: "Deleterious"; PolyPhen-2: "Possibly Damaging"; Align-GVGD: "Class C0"). In summary, the available evidence is currently insufficient to determine the role of this variant in disease. Therefore, it has been classified as a Variant of Uncertain Significance.

NM_004370.6(COL12A1):c.2194A>G (p.Thr732Ala)

Gene: COL12A1 (collagen type XII alpha 1 chain; minus strand). Cytogenetic location: 6q13.
Variant type: single nucleotide variant.
Coding change: c.2194A>G on transcript NM_004370.6 (MANE Select); coding-DNA position 2194, A replaced by G.
Protein change: p.Thr732Ala; replaces threonine 732 with alanine.
Molecular consequence: missense variant. On other transcripts: intron variant (1).
Genome position (GRCh38, 1-based): chr6:75,177,906, T>C on the plus strand (A>G on the coding strand, the complement: COL12A1 is on the minus strand). VCF-style: chr6-75177906-T-C. GRCh37 (hg19) VCF-style: chr6-75887622-T-C.
Other names: c.73+24814A>G (NM_080645.3); short protein forms T732A.
Identifiers: ClinVar variation 839001 (VCV000839001.1), dbSNP rs1769051365, ClinGen allele CA364764541.
Genomic context (GRCh38, chr6:75,177,906, plus strand): 5'-TTAAAACTCTCCCTGGAGCTTGAGTCCAAGTAATTTTGAAACTATCTGTAGTCTCATCTG[T>C]CACCTTTAGGTTTCGAGGTGCTCCTTTTACTGAAATAAAAAAGGAAAAATAGATTTTAAA-3'
Protein context (NP_004361.3, residues 722-742): VKGAPRNLKV[Thr732Ala]DETTDSFKIT